The following is an entry in ClinVar:

NM_005560.6(LAMA5):c.5566C>G (p.Leu1856Val)

Gene: LAMA5 (laminin subunit alpha 5; minus strand). Cytogenetic location: 20q13.33.
Variant type: single nucleotide variant.
Coding change: c.5566C>G on transcript NM_005560.6 (MANE Select); coding-DNA position 5566, C replaced by G.
Protein change: p.Leu1856Val; replaces leucine 1856 with valine.
Molecular consequence: missense variant.
Genome position (GRCh38, 1-based): chr20:62,324,518, G>C on the plus strand (C>G on the coding strand, the complement: LAMA5 is on the minus strand). VCF-style: chr20-62324518-G-C. GRCh37 (hg19) VCF-style: chr20-60899574-G-C.
Other names: short protein forms L1856V.
Identifiers: ClinVar variation 2085042 (VCV002085042.2), dbSNP rs781027920, ClinGen allele CA9942143.

ClinVar aggregate classification (germline): Uncertain significance. Review status: criteria provided, multiple submitters, no conflicts (2 of 4 stars). 2 submissions from 2 submitters: Uncertain significance (2). Last evaluated 2022-12-14.

Conditions:
Inborn genetic diseases. Identifiers: MedGen C0950123, MeSH D030342.

Allele frequency attached by ClinVar (database versions not stated): ExAC 0.00001; gnomAD 0.00001; TOPMed 0.00001.
gnomAD v4.1: 15 of 1,612,342 alleles (0.00093%); highest among the groups gnomAD compares: East Asian, 0.0045%; no homozygotes.

Submissions (2):

Ambry Genetics
Classification: Uncertain significance for Inborn genetic diseases. Last evaluated: 2022-12-14. Review status: criteria provided, single submitter. Criteria: Ambry Variant Classification Scheme 2023. Collection method: clinical testing. Allele origin: germline.

Labcorp Genetics (formerly Invitae), Labcorp
Classification: Uncertain significance. Last evaluated: 2022-04-07. Review status: criteria provided, single submitter. Criteria: Invitae Variant Classification Sherloc (09022015). Collection method: clinical testing. Allele origin: germline.
Comment: This sequence change replaces leucine, which is neutral and non-polar, with valine, which is neutral and non-polar, at codon 1856 of the LAMA5 protein (p.Leu1856Val). This variant is present in population databases (rs781027920, gnomAD 0.003%). This variant has not been reported in the literature in individuals affected with LAMA5-related conditions. Algorithms developed to predict the effect of missense changes on protein structure and function (SIFT, PolyPhen-2, Align-GVGD) all suggest that this variant is likely to be tolerated. In summary, the available evidence is currently insufficient to determine the role of this variant in disease. Therefore, it has been classified as a Variant of Uncertain Significance.